The following is an entry in ClinVar:

ClinVar aggregate classification (germline): Benign. Review status: reviewed by expert panel (3 of 4 stars). 12 submissions from 12 submitters: Benign (1). 11 of the submissions do not count toward it. Last evaluated 2015-08-10.

Conditions:
BRCA2-related cancer predisposition. Identifiers: MedGen CN377758, MONDO:0700269.
BRCA2-related disorder. Also called: BRCA2-related condition; BRCA2-related disorders. Identifiers: MedGen CN239275.
Hereditary cancer-predisposing syndrome. Also called: Hereditary Cancer Syndrome; Neoplastic Syndromes, Hereditary; Hereditary neoplastic syndrome; Tumor predisposition. Identifiers: Orphanet 140162, MedGen C0027672, MeSH D009386, MONDO:0015356.
Hereditary breast ovarian cancer syndrome. Also called: Hereditary breast and ovarian cancer syndrome; Breast and ovarian cancer; BRCA1- and BRCA2-Associated Hereditary Breast and Ovarian Cancer; Hereditary breast and/or ovarian cancer syndrome; Hereditary breast and ovarian cancer; Hereditary breast and ovarian cancer syndrome (HBOC). Identifiers: Orphanet 145, MedGen C0677776, MeSH D061325, MONDO:0003582. Disease mechanism: loss of function.
Breast-ovarian cancer, familial, susceptibility to, 2 (BROVCA2). Also called: BRCA2 Hereditary Breast and Ovarian Cancer. Identifiers: Orphanet 145, MedGen C2675520, MONDO:0012933, OMIM 612555. Disease mechanism: loss of function.

Allele frequency attached by ClinVar (database versions not stated): ExAC 0.00001; gnomAD 0.00001; gnomAD exomes 0.00001 and 0.00003; TOPMed 0.00002.
gnomAD v4.1: 41 of 1,601,472 alleles (0.0026%); highest among the groups gnomAD compares: Non-Finnish European, 0.0031%; no homozygotes.

Submissions (12):

Evidence-based Network for the Interpretation of Germline Mutant Alleles (ENIGMA)
Classification: Benign for Breast-ovarian cancer, familial 2. Last evaluated: 2015-08-10. Review status: reviewed by expert panel. Criteria: ENIGMA BRCA1/2 Classification Criteria (2015). Collection method: curation. Allele origin: germline.
Comment: IARC class based on posterior probability from multifactorial likelihood analysis, thresholds for class as per Plon et al. 2008 (PMID: 18951446). Class 1 based on posterior probability = 0.0000088

PreventionGenetics, part of Exact Sciences
Classification: Benign for BRCA2-related condition. Last evaluated: 2026-04-09. Review status: criteria provided, single submitter. Criteria: ACMG Guidelines, 2015. Collection method: clinical testing. Allele origin: germline. Not counted in ClinVar's aggregate classification.
Comment: This variant is classified as benign based on ACMG/AMP sequence variant interpretation guidelines (Richards et al. 2015 PMID: 25741868, with internal and published modifications).

Labcorp Genetics (formerly Invitae), Labcorp
Classification: Likely benign for Hereditary breast ovarian cancer syndrome. Last evaluated: 2026-02-03. Review status: criteria provided, single submitter. Criteria: Invitae Variant Classification Sherloc (09022015). Collection method: clinical testing. Allele origin: germline. Not counted in ClinVar's aggregate classification.

Women's Health and Genetics/Laboratory Corporation of America, LabCorp
Classification: Likely benign. Last evaluated: 2026-01-20. Review status: criteria provided, single submitter. Criteria: LabCorp Variant Classification Summary - May 2015. Collection method: clinical testing. Allele origin: germline. Not counted in ClinVar's aggregate classification.
Comment: Variant summary: BRCA2 c.4046T>C (p.Ile1349Thr) results in a non-conservative amino acid change located in the BRCA2 repeat region, between the repeats BRC2 and BRC3 (IPR002093) of the encoded protein sequence. Algorithms developed to predict the effect of missense changes on protein structure and function are either unavailable or do not agree on the potential impact of this missense change. The variant allele was found at a frequency of 1.3e-05 in 239668 control chromosomes. The available data on variant occurrences in the general population are insufficient to allow any conclusion about variant significance. c.4046T>C has been observed in individual(s) affected with Hereditary Breast And Ovarian Cancer Syndrome (Wong-Brown 2015). These report(s) do not provide unequivocal conclusions about association of the variant with Hereditary Breast And Ovarian Cancer Syndrome. Co-occurrence with another pathogenic variant has been reported (BRCA2 c.8770G>T / p.Glu2924Ter; in the BIC database), providing supporting evidence for a benign role. In addition, multifactorial probability models, performing systematic assessments of variants of unknown significance in the BRCA genes, which included analysis of co-occurrence in trans with known deleterious mutations, personal and family history of cancer, tumor pathology and co-segregation with disease in pedigrees, predicted this variant to be neutral (Easton 2007 and Lindor 2012). To our knowledge, no experimental evidence demonstrating an impact on protein function has been reported. The following publications have been ascertained in the context of this evaluation (PMID: 21990134, 17924331, 25682074). ClinVar contains an entry for this variant (Variation ID: 51586). Based on the evidence outlined above, the variant was classified as likely benign.

Department of Pathology and Laboratory Medicine, Sinai Health System
Classification: Likely benign for BRCA2-related cancer predisposition. Last evaluated: 2024-01-15. Review status: criteria provided, single submitter. Criteria: ACMG Guidelines, 2015. Collection method: clinical testing. Allele origin: germline. Not counted in ClinVar's aggregate classification.

Quest Diagnostics Nichols Institute San Juan Capistrano
Classification: Likely benign. Last evaluated: 2023-08-09. Review status: criteria provided, single submitter. Criteria: Quest Diagnostics criteria. Collection method: clinical testing. Allele origin: unknown. Not counted in ClinVar's aggregate classification.

Blueprint Genetics
Classification: Likely benign. Last evaluated: 2023-03-06. Review status: criteria provided, single submitter. Criteria: ACMG Guidelines, 2015. Collection method: clinical testing. Allele origin: germline. Not counted in ClinVar's aggregate classification.

GeneDx
Classification: Likely benign. Last evaluated: 2020-04-23. Review status: criteria provided, single submitter. Criteria: GeneDx Variant Classification Process June 2021. Collection method: clinical testing. Allele origin: germline. Affected: yes. Not counted in ClinVar's aggregate classification.
Comment: This variant is associated with the following publications: (PMID: 10923033, 25682074, 24323938, 21990134, 17924331, 18418466)

Color Diagnostics, LLC DBA Color Health
Classification: Likely benign for Hereditary cancer-predisposing syndrome. Last evaluated: 2017-09-11. Review status: criteria provided, single submitter. Criteria: ACMG Guidelines, 2015. Collection method: clinical testing. Allele origin: germline. Not counted in ClinVar's aggregate classification.

Ambry Genetics
Classification: Benign for Hereditary cancer-predisposing syndrome. Last evaluated: 2014-11-19. Review status: criteria provided, single submitter. Criteria: Ambry Variant Classification Scheme 2023. Collection method: clinical testing. Allele origin: germline. Not counted in ClinVar's aggregate classification.

Counsyl
Classification: Benign for Breast-ovarian cancer, familial, susceptibility to, 2. Last evaluated: 2016-03-03. Review status: no assertion criteria provided. Collection method: clinical testing. Allele origin: unknown. Not counted in ClinVar's aggregate classification.

Breast Cancer Information Core (BIC) (BRCA2)
Classification: Uncertain significance for Breast-ovarian cancer, familial 2. Last evaluated: 2002-05-29. Review status: no assertion criteria provided. Collection method: clinical testing. Allele origin: germline. Affected: yes. Observed: 2 variant alleles. Not counted in ClinVar's aggregate classification.

Literature cited by the submitters: PubMed 21990134 (cited by 5 submitters); PubMed 17924331 (cited by 4 submitters); PubMed 25682074 (cited by 3 submitters); PubMed 24323938 (cited by Department of Pathology and Laboratory Medicine, Sinai Health System and Quest Diagnostics Nichols Institute San Juan Capistrano); PubMed 33471991 (cited by Department of Pathology and Laboratory Medicine, Sinai Health System).

NM_000059.4(BRCA2):c.4046T>C (p.Ile1349Thr)

Gene: BRCA2 (BRCA2 DNA repair associated; plus strand). Cytogenetic location: 13q13.1.
Variant type: single nucleotide variant.
Coding change: c.4046T>C on transcript NM_000059.4 (MANE Select); coding-DNA position 4046, T replaced by C.
Protein change: p.Ile1349Thr; replaces isoleucine 1349 with threonine.
Molecular consequence: missense variant.
Genome position (GRCh38, 1-based): chr13:32,338,401, T>C. VCF-style: chr13-32338401-T-C. GRCh37 (hg19) VCF-style: chr13-32912538-T-C.
Other names: p.I1349T:ATT>ACT; 4274T>C; short protein forms I1349T.
Identifiers: ClinVar variation 51586 (VCV000051586.33), dbSNP rs80358654, ClinGen allele CA019424.